The following is an entry in ClinVar:

ClinVar aggregate classification (germline): Conflicting classifications of pathogenicity. Review status: criteria provided, conflicting classifications (1 of 4 stars). 2 submissions from 2 submitters: Likely pathogenic (1); Uncertain significance (1). Last evaluated 2024-06-13.

Conditions:
Thyroid dyshormonogenesis 6 (TDH6). Also called: Genetic transient congenital hypothyroidism; HYPOTHYROIDISM, CONGENITAL, DUE TO DYSHORMONOGENESIS, 6; THYROID HORMONOGENESIS, GENETIC DEFECT IN, 6. Identifiers: Orphanet 226316, Orphanet 95716, MedGen C1846632, MONDO:0011792, OMIM 607200.

gnomAD v4.1: 35 of 1,614,200 alleles (0.0022%); highest among the groups gnomAD compares: East Asian, 0.029%; no homozygotes.

Submissions (2):

Labcorp Genetics (formerly Invitae), Labcorp
Classification: Uncertain significance. Last evaluated: 2024-06-13. Review status: criteria provided, single submitter. Criteria: Invitae Variant Classification Sherloc (09022015). Collection method: clinical testing. Allele origin: germline.
Comment: This sequence change replaces arginine, which is basic and polar, with histidine, which is basic and polar, at codon 1212 of the DUOX2 protein (p.Arg1212His). This variant is present in population databases (rs770966897, gnomAD 0.02%). This missense change has been observed in individual(s) with inflammatory bowel disease (PMID: 35429653). Advanced modeling of protein sequence and biophysical properties (such as structural, functional, and spatial information, amino acid conservation, physicochemical variation, residue mobility, and thermodynamic stability) performed at Invitae indicates that this missense variant is not expected to disrupt DUOX2 protein function with a negative predictive value of 80%. In summary, the available evidence is currently insufficient to determine the role of this variant in disease. Therefore, it has been classified as a Variant of Uncertain Significance.

Juno Genomics, Hangzhou Juno Genomics, Inc
Classification: Likely pathogenic for Thyroid dyshormonogenesis 6. Review status: criteria provided, single submitter. Criteria: ACMG Guidelines, 2015. Collection method: clinical testing. Allele origin: germline.
Comment: Absent from controls (or at extremely low frequency if recessive) in Genome Aggregation Database.;Well-established in vitro or in vivo functional studies supportive of a damaging effect on the gene or gene product.;For recessive disorders, detected in trans with a pathogenic variant.;Located in a mutational hot spot and/or critical and well-established functional domain without benign variation.

Literature cited by the submitters: PubMed 35429653 (cited by Labcorp Genetics (formerly Invitae), Labcorp).

NM_001363711.2(DUOX2):c.3635G>A (p.Arg1212His)

Gene: DUOX2 (dual oxidase 2; minus strand). Cytogenetic location: 15q21.1.
Variant type: single nucleotide variant.
Coding change: c.3635G>A on transcript NM_001363711.2 (MANE Select); coding-DNA position 3635, G replaced by A.
Protein change: p.Arg1212His; replaces arginine 1212 with histidine.
Molecular consequence: missense variant.
Genome position (GRCh38, 1-based): chr15:45,097,672, C>T on the plus strand (G>A on the coding strand, the complement: DUOX2 is on the minus strand). VCF-style: chr15-45097672-C-T. GRCh37 (hg19) VCF-style: chr15-45389870-C-T.
Other names: c.3635G>A, p.Arg1212His (NM_014080.5); short protein forms R1212H.
Identifiers: ClinVar variation 3603765 (VCV003603765.3).
Genomic context (GRCh38, chr15:45,097,672, plus strand): 5'-ACCAGGGCATAGAGCAGGATGTAGAGGTGGTGGGTCAGCCAGAAGCCCCGGAAGCTGCGG[C>T]GGCGGAAGTGGTGGGAGGCGAAGACATACATGATGGCCAGGACCAGGAGCAGAAGCACAC-3'
Protein context (NP_001350640.1, residues 1202-1222): MYVFASHHFR[Arg1212His]RSFRGFWLTH